The following is an entry in ClinVar:

ClinVar aggregate classification (germline): Pathogenic/Likely pathogenic. Review status: criteria provided, multiple submitters, no conflicts (2 of 4 stars). 4 submissions from 4 submitters: Pathogenic (2); Likely pathogenic (2). Last evaluated 2025-07-01.

Conditions:
Meckel-Gruber syndrome. Also called: DYSENCEPHALIA SPLANCHNOCYSTICA; GRUBER SYNDROME; Dysencephalia splachnocystica. Identifiers: Orphanet 564, MedGen C0265215, MONDO:0018921.
Nephronophthisis. Also called: Juvenile Nephronophthisis. Identifiers: Orphanet 655, MedGen C0687120, MONDO:0019005, HP:0000090.
Joubert syndrome. Also called: Familial aplasia of the vermis; JOUBERT-BOLTSHAUSER SYNDROME. Identifiers: Orphanet 475, MedGen C5979921, MONDO:0018772.
Bardet-Biedl syndrome 14 (BBS14). Identifiers: Orphanet 110, MedGen C2673874, MONDO:0014442, OMIM 615991.
Leber congenital amaurosis (LCA). Also called: Leber's amaurosis. Identifiers: Orphanet 65, MedGen C0339527, MeSH D057130, MONDO:0018998.

gnomAD v4.1: 1 of 1,613,702 alleles (0.000062%); highest among the groups gnomAD compares: Non-Finnish European, 0.000085%; no homozygotes.

Submissions (4):

CeGaT Center for Human Genetics Tuebingen
Classification: Pathogenic. Last evaluated: 2025-07-01. Review status: criteria provided, single submitter. Criteria: CeGaT Center For Human Genetics Tuebingen Variant Classification Criteria Version 2. Collection method: clinical testing. Allele origin: germline. Affected: yes. Observed: 3 variant alleles.
Comment: CEP290: PVS1, PM2, PM3:Supporting

Natera, Inc.
Classification: Likely pathogenic for Leber congenital amaurosis. Last evaluated: 2025-02-19. Review status: criteria provided, single submitter. Criteria: Natera Variant Classification Schema (03/2026). Collection method: clinical testing. Allele origin: germline.
Comment: The c.5098G>T variant in CEP290 is a nonsense variant predicted to introduce a stop codon at amino acid 1700. This variant is expected to result in nonsense mediated decay, truncation, or a dysfunctional protein product. This variant is rare in the general population with a frequency below the threshold expected for the associated phenotype(s). Given the available evidence, this variant is classified as Likely Pathogenic.

Labcorp Genetics (formerly Invitae), Labcorp
Classification: Pathogenic for Joubert syndrome; Meckel-Gruber syndrome; Nephronophthisis. Last evaluated: 2024-01-11. Review status: criteria provided, single submitter. Criteria: Invitae Variant Classification Sherloc (09022015). Collection method: clinical testing. Allele origin: germline.
Comment: This sequence change creates a premature translational stop signal (p.Glu1700*) in the CEP290 gene. It is expected to result in an absent or disrupted protein product. Loss-of-function variants in CEP290 are known to be pathogenic (PMID: 16909394, 17345604, 20690115). This variant is not present in population databases (gnomAD no frequency). This variant has not been reported in the literature in individuals affected with CEP290-related conditions. ClinVar contains an entry for this variant (Variation ID: 2020336). Algorithms developed to predict the effect of sequence changes on RNA splicing suggest that this variant may disrupt the consensus splice site. For these reasons, this variant has been classified as Pathogenic.

Baylor Genetics
Classification: Likely pathogenic for Bardet-Biedl syndrome 14. Last evaluated: 2023-06-02. Review status: criteria provided, single submitter. Criteria: ACMG Guidelines, 2015. Collection method: clinical testing. Allele origin: unknown.

Literature cited by the submitters: PubMed 16909394 (cited by Labcorp Genetics (formerly Invitae), Labcorp); PubMed 17345604 (cited by Labcorp Genetics (formerly Invitae), Labcorp); PubMed 20690115 (cited by Labcorp Genetics (formerly Invitae), Labcorp).

NM_025114.4(CEP290):c.5098G>T (p.Glu1700Ter)

Gene: CEP290 (centrosomal protein 290; minus strand). Cytogenetic location: 12q21.32.
Variant type: single nucleotide variant.
Coding change: c.5098G>T on transcript NM_025114.4 (MANE Select); coding-DNA position 5098, G replaced by T.
Protein change: p.Glu1700Ter; replaces glutamic acid 1700 with a stop codon.
Molecular consequence: nonsense.
Genome position (GRCh38, 1-based): chr12:88,080,310, C>A on the plus strand (G>T on the coding strand, the complement: CEP290 is on the minus strand). VCF-style: chr12-88080310-C-A. GRCh37 (hg19) VCF-style: chr12-88474087-C-A.
Other names: c.5098G>T (NM_025114.3); short protein forms E1700*.
Identifiers: ClinVar variation 2020336 (VCV002020336.15), dbSNP rs2499911272, ClinGen allele CA385991339.
Genomic context (GRCh38, chr12:88,080,310, plus strand): 5'-TTGGAGCTCTTGAATTTGCTTCTTTTTGAGCCTGAAGTTCAGATTTTAAACACTGTGACT[C>A]CTTTTGTGACTGGTCCAGAAGATACTTTAAATCCTCTACTTCCGCTTTTACTTTTTTCAC-3'